The following is an entry in ClinVar:

ClinVar aggregate classification (germline): Uncertain significance. Review status: criteria provided, multiple submitters, no conflicts (2 of 4 stars). 5 submissions from 5 submitters: Uncertain significance (5). Last evaluated 2025-09-10.

Conditions:
Monosomy 7 myelodysplasia and leukemia syndrome 2. Identifiers: MedGen C5436668, MONDO:0030801, OMIM 619041.

Allele frequency attached by ClinVar (database versions not stated): 1000 Genomes Project 0.00020; 1000 Genomes Project 30x 0.00031.
gnomAD v4.1: 21 of 1,613,756 alleles (0.0013%); highest among the groups gnomAD compares: African/African-American, 0.021%; no homozygotes.

Submissions (5):

Women's Health and Genetics/Laboratory Corporation of America, LabCorp
Classification: Uncertain significance. Last evaluated: 2025-09-10. Review status: criteria provided, single submitter. Criteria: LabCorp Variant Classification Summary - May 2015. Collection method: clinical testing. Allele origin: germline.
Comment: Variant summary: SAMD9 c.3118C>G (p.Arg1040Gly) results in a non-conservative amino acid change in the encoded protein sequence. Algorithms developed to predict the effect of missense changes on protein structure and function are either unavailable or do not agree on the potential impact of this missense change. The variant allele was found at a frequency of 1.2e-05 in 251118 control chromosomes. The available data on variant occurrences in the general population are insufficient to allow any conclusion about variant significance. To our knowledge, no occurrence of c.3118C>G in individuals affected with SAMD9-related conditions and no experimental evidence demonstrating its impact on protein function have been reported. ClinVar contains an entry for this variant (Variation ID: 1337330). Based on the evidence outlined above, the variant was classified as uncertain significance.

Labcorp Genetics (formerly Invitae), Labcorp
Classification: Uncertain significance. Last evaluated: 2025-09-07. Review status: criteria provided, single submitter. Criteria: Invitae Variant Classification Sherloc (09022015). Collection method: clinical testing. Allele origin: germline.
Comment: This sequence change replaces arginine, which is basic and polar, with glycine, which is neutral and non-polar, at codon 1040 of the SAMD9 protein (p.Arg1040Gly). This variant is present in population databases (rs201576502, gnomAD 0.01%). This variant has not been reported in the literature in individuals affected with SAMD9-related conditions. ClinVar contains an entry for this variant (Variation ID: 1337330). Invitae Evidence Modeling of protein sequence and biophysical properties (such as structural, functional, and spatial information, amino acid conservation, physicochemical variation, residue mobility, and thermodynamic stability) has been performed for this missense variant. However, the output from this modeling did not meet the statistical confidence thresholds required to predict the impact of this variant on SAMD9 protein function. In summary, the available evidence is currently insufficient to determine the role of this variant in disease. Therefore, it has been classified as a Variant of Uncertain Significance.

St. Jude Molecular Pathology, St. Jude Children's Research Hospital
Classification: Uncertain significance for Monosomy 7 myelodysplasia and leukemia syndrome 2. Last evaluated: 2025-06-17. Review status: criteria provided, single submitter. Criteria: St. Jude Assertion Criteria 2020. Collection method: clinical testing. Allele origin: germline.
Comment: The SAMD9 c.3118C>G p.(Arg1040Gly) missense change has a maximum subpopulation frequency of 0.016% in gnomAD v2.1.1. The in silico tool REVEL predicts a benign effect on protein function, however in silico predictions have not been found to correlate with syndromic risk for SAMD9 variants and are thus not considered supporting evidence of a pathogenic or benign effect (PMID: 34621053). To our knowledge, this variant has not been reported in individuals with SAMD9-associated conditions. In summary, the evidence currently available is insufficient to determine the clinical significance of this variant. It has therefore been classified as of uncertain significance.

GeneDx
Classification: Uncertain significance. Last evaluated: 2024-12-08. Review status: criteria provided, single submitter. Criteria: GeneDx Variant Classification Process June 2021. Collection method: clinical testing. Allele origin: germline. Affected: yes.
Comment: In silico analysis supports that this missense variant has a deleterious effect on protein structure/function; Has not been previously published as pathogenic or benign to our knowledge; This variant is associated with the following publications: (PMID: 28545555)

Genetic Services Laboratory, University of Chicago
Classification: Uncertain significance. Last evaluated: 2019-08-26. Review status: criteria provided, single submitter. Criteria: ACMG Guidelines, 2015. Collection method: clinical testing. Allele origin: germline. Affected: no.

NM_017654.4(SAMD9):c.3118C>G (p.Arg1040Gly)

Gene: SAMD9 (sterile alpha motif domain containing 9; minus strand). Cytogenetic location: 7q21.2.
Variant type: single nucleotide variant.
Coding change: c.3118C>G on transcript NM_017654.4 (MANE Select); coding-DNA position 3118, C replaced by G.
Protein change: p.Arg1040Gly; replaces arginine 1040 with glycine.
Molecular consequence: missense variant.
Genome position (GRCh38, 1-based): chr7:93,102,980, G>C on the plus strand (C>G on the coding strand, the complement: SAMD9 is on the minus strand). VCF-style: chr7-93102980-G-C. GRCh37 (hg19) VCF-style: chr7-92732293-G-C.
Other names: c.3118C>G, p.Arg1040Gly (NM_001193307.2); short protein forms R1040G.
Identifiers: ClinVar variation 1337330 (VCV001337330.12), dbSNP rs201576502, ClinGen allele CA4342748.